The following is an entry in ClinVar:

ClinVar aggregate classification (germline): Uncertain significance (1 of 4 stars; one submission).

Allele frequency attached by ClinVar (database versions not stated): TOPMed below 0.00001.

Submission:

Labcorp Genetics (formerly Invitae), Labcorp
Classification: Uncertain significance. Last evaluated: 2022-02-05. Review status: criteria provided, single submitter. Criteria: Invitae Variant Classification Sherloc (09022015). Collection method: clinical testing. Allele origin: germline.
Comment: In summary, the available evidence is currently insufficient to determine the role of this variant in disease. Therefore, it has been classified as a Variant of Uncertain Significance. Algorithms developed to predict the effect of missense changes on protein structure and function output the following: SIFT: "Tolerated"; PolyPhen-2: "Benign"; Align-GVGD: "Class C0". The alanine amino acid residue is found in multiple mammalian species, which suggests that this missense change does not adversely affect protein function. This variant has not been reported in the literature in individuals affected with VCAN-related conditions. This variant is not present in population databases (gnomAD no frequency). This sequence change replaces threonine, which is neutral and polar, with alanine, which is neutral and non-polar, at codon 1471 of the VCAN protein (p.Thr1471Ala).

NM_004385.5(VCAN):c.4411A>G (p.Thr1471Ala)

Genes: VCAN (versican; plus strand), VCAN-AS1 (VCAN antisense RNA 1; minus strand). Cytogenetic location: 5q14.3.
Variant type: single nucleotide variant.
Coding change: c.4411A>G on transcript NM_004385.5 (MANE Select); coding-DNA position 4411, A replaced by G.
Protein change: p.Thr1471Ala; replaces threonine 1471 with alanine.
Molecular consequence: missense variant. On other transcripts: intron variant (2).
Genome position (GRCh38, 1-based): chr5:83,537,414, A>G. VCF-style: chr5-83537414-A-G. GRCh37 (hg19) VCF-style: chr5-82833233-A-G.
Other names: c.1450A>G, p.Thr484Ala (NM_001164097.2); c.4004-8123A>G (NM_001164098.2); c.1043-8123A>G (NM_001126336.3); short protein forms T1471A, T484A.
Identifiers: ClinVar variation 1363009 (VCV001363009.8), dbSNP rs1746765276, ClinGen allele CA360308196.